The following is an entry in ClinVar:

NM_000530.8(MPZ):c.451C>A (p.Pro151Thr)

Gene: MPZ (myelin protein zero; minus strand). Cytogenetic location: 1q23.3.
Variant type: single nucleotide variant.
Coding change: c.451C>A on transcript NM_000530.8 (MANE Select); coding-DNA position 451, C replaced by A.
Protein change: p.Pro151Thr; replaces proline 151 with threonine.
Molecular consequence: missense variant.
Genome position (GRCh38, 1-based): chr1:161,306,462, G>T on the plus strand (C>A on the coding strand, the complement: MPZ is on the minus strand). VCF-style: chr1-161306462-G-T. GRCh37 (hg19) VCF-style: chr1-161276252-G-T.
Other names: c.451C>A, p.Pro151Thr (NM_001315491.2); c.451C>A (LRG_256t1); short protein forms P151T.
Identifiers: ClinVar variation 216963 (VCV000216963.14), dbSNP rs754068936, ClinGen allele CA277472.
Genomic context (GRCh38, chr1:161,306,462, plus strand): 5'-ACAGCACCACCCCGAGGACACCCCCGATCACAGCTCCCAGAACGACCCCGTACCTAGTTG[G>T]CACTAGGAGGGGTGGGAAAAGAAGTGGGAGAATGAGCAGGGCCCTGTATCTGTGGTTCCT-3'
Protein context (NP_000521.2, residues 141-161): QVTLYVFEKV[Pro151Thr]TRYGVVLGAV

ClinVar aggregate classification (germline): Conflicting classifications of pathogenicity. Review status: criteria provided, conflicting classifications (1 of 4 stars). 3 submissions from 3 submitters: Likely pathogenic (1); Uncertain significance (2). Last evaluated 2024-12-04.

Conditions:
Charcot-Marie-Tooth disease type 4E (CHN1). Also called: CHARCOT-MARIE-TOOTH DISEASE, DEMYELINATING, TYPE 4E; Congenital hypomyelinating neuropathy 1, autosomal recessive; Congenital Hypomyelination; HYPOMYELINATION, SEVERE CONGENITAL; Hypomyelinating neuropathy, congenital, 1. Identifiers: Orphanet 99951, MedGen C4721436, MONDO:0011527, OMIM 605253.
Dejerine-Sottas disease. Also called: HMSN Type III; DEJERINE-SOTTAS NEUROPATHY; HEREDITARY MOTOR AND SENSORY NEUROPATHY TYPE III; Charcot-Marie-Tooth disease type 3; Hereditary motor and sensory neuropathy 3. Identifiers: Orphanet 64748, MedGen C0011195, MONDO:0007790, OMIM 145900.
Roussy-Lévy syndrome. Also called: Roussy-Levy Syndrome; Roussy Levy hereditary areflexic dystasia; Roussy-Levy disease; Hereditary areflexic dystasia. Identifiers: Orphanet 3115, MedGen C0205713, MONDO:0008392, OMIM 180800.
Charcot-Marie-Tooth disease type 2I (CMT2I). Also called: CHARCOT-MARIE-TOOTH DISEASE, AXONAL, TYPE 2I. Identifiers: Orphanet 99942, MedGen C3888087, MONDO:0011889, OMIM 607677.
Charcot-Marie-Tooth disease type 2J (CMT2J). Also called: CHARCOT-MARIE-TOOTH DISEASE, TYPE 2, WITH HEARING LOSS AND PUPILLARY ABNORMALITIES; CHARCOT-MARIE-TOOTH NEUROPATHY, TYPE 2J; CHARCOT-MARIE-TOOTH DISEASE, AXONAL, TYPE 2J. Identifiers: Orphanet 99943, MedGen C1843153, MONDO:0011903, OMIM 607736.
Charcot-Marie-Tooth disease dominant intermediate D. Also called: CHARCOT-MARIE-TOOTH NEUROPATHY, DOMINANT INTERMEDIATE D; Charcot-Marie-Tooth disease dominant intermediate 3; CMT DI3. Identifiers: Orphanet 100046, MedGen C1843075, MONDO:0011909, OMIM 607791.
Charcot-Marie-Tooth disease type 1B. Also called: CHARCOT-MARIE-TOOTH DISEASE, AUTOSOMAL DOMINANT, WITH FOCALLY FOLDED MYELIN SHEATHS, TYPE 1B; CHARCOT-MARIE-TOOTH DISEASE, SLOW NERVE CONDUCTION TYPE, LINKED TO DUFFY; CHARCOT-MARIE-TOOTH NEUROPATHY, TYPE 1B; PERONEAL MUSCULAR ATROPHY; HEREDITARY MOTOR AND SENSORY NEUROPATHY I; HEREDITARY MOTOR AND SENSORY NEUROPATHY IB. Identifiers: Orphanet 101082, MedGen C0270912, MONDO:0007307, OMIM 118200.
Charcot-Marie-Tooth disease, type I (CMT1). Also called: Charcot-Marie-Tooth, Type 1; Charcot-Marie-Tooth disease type 1. Identifiers: Orphanet 65753, MedGen C0751036, MONDO:0019011.

Allele frequency attached by ClinVar (database versions not stated): gnomAD exomes below 0.00001; ExAC 0.00001.
gnomAD v4.1: 1 of 1,614,186 alleles (0.000062%); highest among the groups gnomAD compares: Middle Eastern, 0.016%; no homozygotes.

Submissions (3):

Labcorp Genetics (formerly Invitae), Labcorp
Classification: Uncertain significance for Charcot-Marie-Tooth disease, type I. Last evaluated: 2024-12-04. Review status: criteria provided, single submitter. Criteria: Invitae Variant Classification Sherloc (09022015). Collection method: clinical testing. Allele origin: germline.
Comment: This sequence change replaces proline, which is neutral and non-polar, with threonine, which is neutral and polar, at codon 151 of the MPZ protein (p.Pro151Thr). This variant is not present in population databases (gnomAD no frequency). This missense change has been observed in individual(s) with Charcot-Marie-Tooth disease (PMID: 25326637). ClinVar contains an entry for this variant (Variation ID: 216963). An algorithm developed to predict the effect of missense changes on protein structure and function (PolyPhen-2) suggests that this variant is likely to be disruptive. In summary, the available evidence is currently insufficient to determine the role of this variant in disease. Therefore, it has been classified as a Variant of Uncertain Significance.

GeneDx
Classification: Uncertain significance. Last evaluated: 2019-09-10. Review status: criteria provided, single submitter. Criteria: GeneDx Variant Classification Process June 2021. Collection method: clinical testing. Allele origin: germline. Affected: yes.
Comment: Not observed in large population cohorts (Lek et al., 2016); The majority of missense variants in this gene are considered pathogenic (Stenson et al., 2014); In silico analysis, which includes protein predictors and evolutionary conservation, supports that this variant does not alter protein structure/function; Identified in a patient with Charcot-Marie-Tooth neuropathy, foot drop, gait abnormality, muscle weakness, and fasciculation in the published literature; however, information regarding parental testing was not available (Lee et al., 2014); This variant is associated with the following publications: (PMID: 25326637)

UCLA Clinical Genomics Center, UCLA
Classification: Likely pathogenic for Charcot-Marie-Tooth disease dominant intermediate 3; Charcot-Marie-Tooth disease, type IB; Charcot-Marie-Tooth disease type 2I; Charcot-Marie-Tooth disease type 2J; Dejerine-Sottas disease; Congenital hypomyelinating neuropathy; Roussy-Lévy syndrome. Last evaluated: 2013-02-19. Review status: criteria provided, single submitter. Criteria: Lee et al. (JAMA. 2014). Collection method: clinical testing. Allele origin: unknown. Inheritance: Autosomal dominant inheritance. Affected: yes. Study: CES.

Literature cited by the submitters: PubMed 25326637 (cited by Labcorp Genetics (formerly Invitae), Labcorp).